The following is an entry in ClinVar:

NM_178014.4(TUBB):c.573G>C (p.Gln191His)

Gene: TUBB (tubulin beta class I; plus strand). Cytogenetic location: 6p21.33.
Variant type: single nucleotide variant.
Coding change: c.573G>C on transcript NM_178014.4 (MANE Select); coding-DNA position 573, G replaced by C.
Protein change: p.Gln191His; replaces glutamine 191 with histidine.
Molecular consequence: missense variant. On other transcripts: intron variant (1).
Genome position (GRCh38, 1-based): chr6:30,723,635, G>C. VCF-style: chr6-30723635-G-C. GRCh37 (hg19) VCF-style: chr6-30691412-G-C.
Other names: c.633G>C, p.Gln211His (NM_001293212.2); c.441G>C, p.Gln147His (NM_001293214.2); c.357G>C, p.Gln119His (NM_001293215.2, NM_001293216.2); c.369+204G>C (NM_001293213.2); short protein forms Q119H, Q147H, Q191H, Q211H.
Identifiers: ClinVar variation 5037439 (VCV005037439.1).

ClinVar aggregate classification (germline): Uncertain significance (1 of 4 stars; one submission).

Submission:

GeneDx
Classification: Uncertain significance. Last evaluated: 2026-04-23. Review status: criteria provided, single submitter. Criteria: GeneDx Variant Classification Process June 2021. Collection method: clinical testing. Allele origin: germline.
Comment: Not observed at significant frequency in large population cohorts (gnomAD); In silico analysis supports that this missense variant has a deleterious effect on protein structure/function; Has not been previously published as pathogenic or benign to our knowledge